The following is an entry in ClinVar:

NM_001365951.3(KIF1B):c.2115+7350G>A

Gene: KIF1B (kinesin family member 1B; plus strand). Cytogenetic location: 1p36.22.
Variant type: single nucleotide variant.
Coding change: c.2115+7350G>A on transcript NM_001365951.3 (MANE Select); 7350 bases into the intron after coding-DNA position 2115, G replaced by A.
Molecular consequence: intron variant. On other transcripts: synonymous variant (2).
Genome position (GRCh38, 1-based): chr1:10,304,596, G>A. VCF-style: chr1-10304596-G-A. GRCh37 (hg19) VCF-style: chr1-10364654-G-A.
Other names: c.3411G>A, p.Arg1137= (NM_001365953.1, NM_183416.4); c.1977+7350G>A (NM_015074.3); c.2115+7350G>A (NM_001365952.1).
Identifiers: ClinVar variation 3352251 (VCV003352251.1).
Genomic context (GRCh38, chr1:10,304,596, plus strand): 5'-TCAGAAGCAGACTGACAAACCCAGCCACTGTAGCCAGTTTGTGACACCTCCGCGGATGAG[G>A]AGACAGTTCTCAGCACCCAATCTCAAAGCTGGTCGAGAAACCACAGTATAAATCAGTTAC-3'

ClinVar aggregate classification (germline): Likely benign (0 of 4 stars; one submission).

Conditions:
KIF1B-related disorder. Also called: KIF1B-related condition.

gnomAD v4.1: 101 of 1,613,978 alleles (0.0063%); highest among the groups gnomAD compares: Non-Finnish European, 0.0079%; no homozygotes.

Submission:

PreventionGenetics, part of Exact Sciences
Classification: Likely benign for KIF1B-related condition. Last evaluated: 2024-04-17. Review status: no assertion criteria provided. Collection method: clinical testing. Allele origin: germline.
Comment: This variant is classified as likely benign based on ACMG/AMP sequence variant interpretation guidelines (Richards et al. 2015 PMID: 25741868, with internal and published modifications).